The following is an entry in ClinVar:

ClinVar aggregate classification (germline): Likely benign. Review status: criteria provided, multiple submitters, no conflicts (2 of 4 stars). 2 submissions from 2 submitters: Likely benign (2). Last evaluated 2026-09-01.

Conditions:
Combined immunodeficiency due to ORAI1 deficiency. Also called: IMMUNODEFICIENCY 9. Identifiers: Orphanet 169090, Orphanet 317428, MedGen C2748568, MONDO:0013007, OMIM 612782.
Myopathy, tubular aggregate, 2 (TAM2). Identifiers: MedGen C4014557, MONDO:0014383, OMIM 615883.

Allele frequency attached by ClinVar (database versions not stated): gnomAD 0.00002; ExAC 0.00001; gnomAD exomes 0.00001; TOPMed 0.00001.

Submissions (2):

CeGaT Center for Human Genetics Tuebingen
Classification: Likely benign. Last evaluated: 2026-09-01. Review status: criteria provided, single submitter. Criteria: CeGaT Center For Human Genetics Tuebingen Variant Classification Criteria Version 2. Collection method: clinical testing. Allele origin: germline. Affected: yes. Observed: 1 variant allele.
Comment: ORAI1: BP4, BP7

Labcorp Genetics (formerly Invitae), Labcorp
Classification: Likely benign for Myopathy, tubular aggregate, 2; Combined immunodeficiency due to ORAI1 deficiency. Last evaluated: 2023-09-01. Review status: criteria provided, single submitter. Criteria: Invitae Variant Classification Sherloc (09022015). Collection method: clinical testing. Allele origin: germline.

NM_032790.4(ORAI1):c.657C>T (p.Gly219=)

Gene: ORAI1 (ORAI calcium release-activated calcium modulator 1; plus strand). Cytogenetic location: 12q24.31.
Variant type: single nucleotide variant.
Coding change: c.657C>T on transcript NM_032790.4 (MANE Select); coding-DNA position 657, C replaced by T.
Protein change: p.Gly219=; no amino-acid change (glycine 219 retained).
Molecular consequence: synonymous variant. On other transcripts: non-coding transcript variant (1).
Genome position (GRCh38, 1-based): chr12:121,641,394, C>T. VCF-style: chr12-121641394-C-T. GRCh37 (hg19) VCF-style: chr12-122079300-C-T.
Identifiers: ClinVar variation 2934925 (VCV002934925.4), dbSNP rs782308800, ClinGen allele CA6837535.